The following is an entry in ClinVar:

ClinVar aggregate classification (germline): Uncertain significance (1 of 4 stars; one submission).

Conditions:
Immunodeficiency 36 with lymphoproliferation. Also called: ACTIVATED PI3K-DELTA SYNDROME 2; Activated PI3K Delta Syndrome Type 2 (APDS2); Immunodeficiency 36. Identifiers: Orphanet 397596, Orphanet 693681, MedGen C4014934, MONDO:0014453, OMIM 616005.
Agammaglobulinemia 7, autosomal recessive (AGM7). Also called: AGAMMAGLOBULINEMIA, AUTOSOMAL RECESSIVE, DUE TO PIK3R1 DEFECT. Identifiers: MedGen C3554689, MONDO:0014083, OMIM 615214.
SHORT syndrome. Also called: PIK3R1-Related SHORT Syndrome; SHORT STATURE, HYPEREXTENSIBILITY, HERNIA, OCULAR DEPRESSION, RIEGER ANOMALY, AND TEETHING DELAY; LIPODYSTROPHY, PARTIAL, WITH RIEGER ANOMALY AND SHORT STATURE. Identifiers: Orphanet 3163, MedGen C0878684, MONDO:0010026, OMIM 269880.

Submission:

Labcorp Genetics (formerly Invitae), Labcorp
Classification: Uncertain significance for SHORT syndrome; Immunodeficiency 36 with lymphoproliferation; Agammaglobulinemia 7, autosomal recessive. Last evaluated: 2025-11-17. Review status: criteria provided, single submitter. Criteria: Invitae Variant Classification Sherloc (09022015). Collection method: clinical testing. Allele origin: germline.
Comment: This sequence change replaces leucine, which is neutral and non-polar, with valine, which is neutral and non-polar, at codon 420 of the PIK3R1 protein (p.Leu420Val). This variant is not present in population databases (gnomAD no frequency). This variant has not been reported in the literature in individuals affected with PIK3R1-related conditions. ClinVar contains an entry for this variant (Variation ID: 1719010). Invitae Evidence Modeling of protein sequence and biophysical properties (such as structural, functional, and spatial information, amino acid conservation, physicochemical variation, residue mobility, and thermodynamic stability) has been performed for this missense variant. However, the output from this modeling did not meet the statistical confidence thresholds required to predict the impact of this variant on PIK3R1 protein function. In summary, the available evidence is currently insufficient to determine the role of this variant in disease. Therefore, it has been classified as a Variant of Uncertain Significance.

NM_181523.3(PIK3R1):c.1258T>G (p.Leu420Val)

Gene: PIK3R1 (phosphoinositide-3-kinase regulatory subunit 1; plus strand). Cytogenetic location: 5q13.1.
Variant type: single nucleotide variant.
Coding change: c.1258T>G on transcript NM_181523.3 (MANE Select); coding-DNA position 1258, T replaced by G.
Protein change: p.Leu420Val; replaces leucine 420 with valine.
Molecular consequence: missense variant.
Genome position (GRCh38, 1-based): chr5:68,293,442, T>G. VCF-style: chr5-68293442-T-G. GRCh37 (hg19) VCF-style: chr5-67589270-T-G.
Other names: c.169T>G, p.Leu57Val (NM_001242466.2); c.448T>G, p.Leu150Val (NM_181504.4); c.358T>G, p.Leu120Val (NM_181524.2); short protein forms L120V, L150V, L420V, L57V.
Identifiers: ClinVar variation 1719010 (VCV001719010.6), dbSNP rs2112259466, ClinGen allele CA359879853.